The following is an entry in ClinVar:

ClinVar aggregate classification (germline): Benign/Likely benign. Review status: criteria provided, multiple submitters, no conflicts (2 of 4 stars). 7 submissions from 7 submitters: Benign (5); Likely benign (2). Last evaluated 2026-02-02.

Allele frequency attached by ClinVar (database versions not stated): gnomAD exomes 0.00027 and 0.00077; ExAC 0.00106; ESP Exome Variant Server 0.00269; 1000 Genomes Project 30x 0.00312; gnomAD 0.00321 and 0.00347; 1000 Genomes Project 0.00339; TOPMed 0.00376.
gnomAD v4.1: 912 of 1,614,128 alleles (0.057%); highest among the groups gnomAD compares: African/African-American, 1%; 5 homozygotes.

Submissions (7):

Labcorp Genetics (formerly Invitae), Labcorp
Classification: Benign. Last evaluated: 2026-02-02. Review status: criteria provided, single submitter. Criteria: Invitae Variant Classification Sherloc (09022015). Collection method: clinical testing. Allele origin: germline.

CeGaT Center for Human Genetics Tuebingen
Classification: Likely benign. Last evaluated: 2026-02-01. Review status: criteria provided, single submitter. Criteria: CeGaT Center For Human Genetics Tuebingen Variant Classification Criteria Version 2. Collection method: clinical testing. Allele origin: germline. Affected: yes. Observed: 2 variant alleles.
Comment: PAFAH1B1: BP4, BP7, BS1

Blueprint Genetics
Classification: Likely benign. Last evaluated: 2024-09-10. Review status: criteria provided, single submitter. Criteria: ACMG Guidelines, 2015. Collection method: clinical testing. Allele origin: germline.

GeneDx
Classification: Benign. Last evaluated: 2017-02-16. Review status: criteria provided, single submitter. Criteria: GeneDx Variant Classification (06012015). Collection method: clinical testing. Allele origin: germline. Affected: yes.
Comment: This variant is considered likely benign or benign based on one or more of the following criteria: it is a conservative change, it occurs at a poorly conserved position in the protein, it is predicted to be benign by multiple in silico algorithms, and/or has population frequency not consistent with disease.

Eurofins Ntd Llc (ga)
Classification: Benign. Last evaluated: 2013-10-10. Review status: criteria provided, single submitter. Criteria: EGL Classification Definitions 2015. Collection method: clinical testing. Allele origin: germline. Observed: 2 variant alleles, 2 heterozygotes.

Genetic Services Laboratory, University of Chicago
Classification: Benign. Last evaluated: 2013-02-08. Review status: criteria provided, single submitter. Criteria: ACMG Guidelines, 2007. Collection method: clinical testing. Allele origin: germline. Inheritance: Autosomal dominant inheritance.

PreventionGenetics, part of Exact Sciences
Classification: Benign. Review status: criteria provided, single submitter. Criteria: ACMG Guidelines, 2015. Collection method: clinical testing. Allele origin: germline.

NM_000430.4(PAFAH1B1):c.1059T>C (p.Ile353=)

Gene: PAFAH1B1 (platelet activating factor acetylhydrolase 1b regulatory subunit 1; plus strand). Cytogenetic location: 17p13.3.
Variant type: single nucleotide variant.
Coding change: c.1059T>C on transcript NM_000430.4 (MANE Select); coding-DNA position 1059, T replaced by C.
Protein change: p.Ile353=; no amino-acid change (isoleucine 353 retained).
Molecular consequence: synonymous variant.
Genome position (GRCh38, 1-based): chr17:2,680,220, T>C. VCF-style: chr17-2680220-T-C. GRCh37 (hg19) VCF-style: chr17-2583514-T-C.
Identifiers: ClinVar variation 92996 (VCV000092996.43), dbSNP rs1803915, ClinGen allele CA146162.
Genomic context (GRCh38, chr17:2,680,220, plus strand): 5'-TAAGGTGGGTCATGATAACTGGGTACGTGGAGTTCTGTTCCATTCTGGGGGGAAGTTTAT[T>C]TTGAGTTGTGCTGATGACAAGACCCTACGCGTATGGGATTACAAGAACAAGCGATGCATG-3'
Protein context (NP_000421.1, residues 343-363): GVLFHSGGKF[Ile353=]LSCADDKTLR